The following is an entry in ClinVar:

ClinVar aggregate classification (germline): Uncertain significance. Review status: criteria provided, multiple submitters, no conflicts (2 of 4 stars). 2 submissions from 2 submitters: Uncertain significance (2). Last evaluated 2022-10-04.

Conditions:
CNOT1-related disorder. Also called: CNOT1-related condition.

Allele frequency attached by ClinVar (database versions not stated): gnomAD exomes below 0.00001.
gnomAD v4.1: 2 of 1,613,996 alleles (0.00012%); highest among the groups gnomAD compares: Non-Finnish European, 0.00017%; no homozygotes.

Submissions (2):

PreventionGenetics, part of Exact Sciences
Classification: Uncertain significance for CNOT1-related condition. Last evaluated: 2022-10-04. Review status: criteria provided, single submitter. Criteria: ACMG Guidelines, 2015. Collection method: clinical testing. Allele origin: germline.
Comment: The CNOT1 c.4103C>T variant is predicted to result in the amino acid substitution p.Ala1368Val. To our knowledge, this variant has not been reported in the literature. This variant is reported in 0.00088% of alleles in individuals of European (Non-Finnish) descent in gnomAD. At this time, the clinical significance of this variant is uncertain due to the absence of conclusive functional and genetic evidence.

Labcorp Genetics (formerly Invitae), Labcorp
Classification: Uncertain significance. Last evaluated: 2022-09-01. Review status: criteria provided, single submitter. Criteria: Invitae Variant Classification Sherloc (09022015). Collection method: clinical testing. Allele origin: germline.
Comment: In summary, the available evidence is currently insufficient to determine the role of this variant in disease. Therefore, it has been classified as a Variant of Uncertain Significance. Algorithms developed to predict the effect of missense changes on protein structure and function (SIFT, PolyPhen-2, Align-GVGD) all suggest that this variant is likely to be tolerated. This variant has not been reported in the literature in individuals affected with CNOT1-related conditions. The frequency data for this variant in the population databases is considered unreliable, as metrics indicate poor data quality at this position in the gnomAD database. This sequence change replaces alanine, which is neutral and non-polar, with valine, which is neutral and non-polar, at codon 1363 of the CNOT1 protein (p.Ala1363Val).

NM_016284.5(CNOT1):c.4103C>T (p.Ala1368Val)

Gene: CNOT1 (CCR4-NOT transcription complex subunit 1; minus strand). Cytogenetic location: 16q21.
Variant type: single nucleotide variant.
Coding change: c.4103C>T on transcript NM_016284.5 (MANE Select); coding-DNA position 4103, C replaced by T.
Protein change: p.Ala1368Val; replaces alanine 1368 with valine.
Molecular consequence: missense variant. On other transcripts: non-coding transcript variant (1).
Genome position (GRCh38, 1-based): chr16:58,545,395, G>A on the plus strand (C>T on the coding strand, the complement: CNOT1 is on the minus strand). VCF-style: chr16-58545395-G-A. GRCh37 (hg19) VCF-style: chr16-58579299-G-A.
Other names: c.4103C>T (NM_016284.4); c.4088C>T, p.Ala1363Val (NM_001265612.2); c.4103C>T, p.Ala1368Val (NM_206999.3); short protein forms A1368V, A1363V.
Identifiers: ClinVar variation 2016310 (VCV002016310.5), dbSNP rs1046144555, ClinGen allele CA281684227.